The following is an entry in ClinVar:

Conditions:
Arteriohepatic dysplasia. Also called: Alagille Syndrome. Identifiers: Orphanet 52, MedGen C0085280, MeSH D016738, MONDO:0007318.

Submission:

Gilbert/Spinner Lab, Children's Hospital of Philadelphia
No classification provided (evidence only). Condition: Alagille syndrome. Review status: no classification provided. Collection method: research. Allele origin: not applicable. Functional consequence: functionally_abnormal.
ClinVar note: "not provided" was previously submitted as the classification for the variant. However, the classification appeared to be based only on an observation of functional data so it was converted to no classification on 2025-07-30.

NM_000214.3(JAG1):c.392C>T (p.Ser131Phe)

Gene: JAG1 (jagged canonical Notch ligand 1; minus strand). Cytogenetic location: 20p12.2.
Variant type: single nucleotide variant.
Coding change: c.392C>T on transcript NM_000214.3 (MANE Select); coding-DNA position 392, C replaced by T.
Protein change: p.Ser131Phe; replaces serine 131 with phenylalanine.
Molecular consequence: missense variant.
Genome position (GRCh38, 1-based): chr20:10,664,010, G>A on the plus strand (C>T on the coding strand, the complement: JAG1 is on the minus strand). VCF-style: chr20-10664010-G-A. GRCh37 (hg19) VCF-style: chr20-10644658-G-A.
Other names: short protein forms S131F.
Identifiers: ClinVar variation 3573289 (VCV003573289.2).